The following is an entry in ClinVar:

ClinVar aggregate classification (germline): Uncertain significance (1 of 4 stars; one submission).

Conditions:
Inborn genetic diseases. Identifiers: MedGen C0950123, MeSH D030342.

gnomAD v4.1: 1 of 1,614,134 alleles (0.000062%); highest among the groups gnomAD compares: Non-Finnish European, 0.000085%; no homozygotes.

Submission:

Ambry Genetics
Classification: Uncertain significance for Inborn genetic diseases. Last evaluated: 2026-03-12. Review status: criteria provided, single submitter. Criteria: Ambry Variant Classification Scheme 2023. Collection method: clinical testing. Allele origin: germline.
Comment: The p.R611L variant (also known as c.1832G>T), located in coding exon 17 of the DDX41 gene, results from a G to T substitution at nucleotide position 1832. The arginine at codon 611 is replaced by leucine, an amino acid with dissimilar properties. This amino acid position is conserved. In addition, the in silico prediction for this alteration is inconclusive. Based on the available evidence, the clinical significance of this variant remains unclear.

NM_016222.4(DDX41):c.1832G>T (p.Arg611Leu)

Gene: DDX41 (DEAD-box helicase 41; minus strand). Cytogenetic location: 5q35.3.
Variant type: single nucleotide variant.
Coding change: c.1832G>T on transcript NM_016222.4 (MANE Select); coding-DNA position 1832, G replaced by T.
Protein change: p.Arg611Leu; replaces arginine 611 with leucine.
Molecular consequence: missense variant.
Genome position (GRCh38, 1-based): chr5:177,511,828, C>A on the plus strand (G>T on the coding strand, the complement: DDX41 is on the minus strand). VCF-style: chr5-177511828-C-A. GRCh37 (hg19) VCF-style: chr5-176938829-C-A.
Other names: c.1454G>T, p.Arg485Leu (NM_001321732.2, NM_001321830.2); short protein forms R485L, R611L.
Identifiers: ClinVar variation 4826052 (VCV004826052.1).
Genomic context (GRCh38, chr5:177,511,828, plus strand): 5'-GGAGAGAAGGGAAGACTGTCGGCTCAGAAGTCCATGGAGCTGTGGGCCAGGTAGTCCTTG[C>A]GACCGATGTTGCTGACCTGCTTGGTCTGCATAGCCTCGAGTTTGGGGCAGTCAGTGATCC-3'
Protein context (NP_057306.2, residues 601-621): MQTKQVSNIG[Arg611Leu]KDYLAHSSMD